The following is an entry in ClinVar:

NM_000540.3(RYR1):c.1175G>A (p.Cys392Tyr)

Gene: RYR1 (ryanodine receptor 1; plus strand). Cytogenetic location: 19q13.2.
Variant type: single nucleotide variant.
Coding change: c.1175G>A on transcript NM_000540.3 (MANE Select); coding-DNA position 1175, G replaced by A.
Protein change: p.Cys392Tyr; replaces cysteine 392 with tyrosine.
Molecular consequence: missense variant.
Genome position (GRCh38, 1-based): chr19:38,451,816, G>A. VCF-style: chr19-38451816-G-A. GRCh37 (hg19) VCF-style: chr19-38942456-G-A.
Other names: c.1175G>A, p.Cys392Tyr (NM_001042723.2); short protein forms C392Y.
Identifiers: ClinVar variation 3071284 (VCV003071284.1), dbSNP rs1377619297, ClinGen allele CA405683723.

ClinVar aggregate classification (germline): Uncertain significance (1 of 4 stars; one submission).

Conditions:
Malignant hyperthermia, susceptibility to, 1 (MHS1). Also called: Anesthesia related hyperthermia; Malignant hyperpyrexia; Fulminating hyperpyrexia; Pharmacogenic myopathy; RYR1-Related Malignant Hyperthermia Susceptibility; Malignant hyperthermia suceptibility 1. Identifiers: Orphanet 423, MedGen C2930980, MONDO:0007783, OMIM 145600.

Allele frequency attached by ClinVar (database versions not stated): TOPMed below 0.00001; gnomAD 0.00001.
gnomAD v4.1: 1 of 1,613,988 alleles (0.000062%); highest among the groups gnomAD compares: Non-Finnish European, 0.000085%; no homozygotes.

Submission:

All of Us Research Program, National Institutes of Health
Classification: Uncertain significance for Malignant hyperthermia, susceptibility to, 1. Last evaluated: 2023-05-31. Review status: criteria provided, single submitter. Criteria: ACMG Guidelines, 2015. Collection method: clinical testing. Allele origin: germline. Inheritance: Autosomal dominant inheritance. Observed: 1 variant allele, 1 heterozygote.
Comment: This study involves interpretation of variants in research participants for the purpose of population health screening. Participant phenotype was not available at the time of variant classification. Additional details can be found in publication PMID: 35346344, PMCID: PMC8962531